The following is an entry in ClinVar:

NM_000019.4(ACAT1):c.435+4A>G

Gene: ACAT1 (acetyl-CoA acetyltransferase 1; plus strand). Cytogenetic location: 11q22.3.
Variant type: single nucleotide variant.
Coding change: c.435+4A>G on transcript NM_000019.4 (MANE Select); 4 bases into the intron after coding-DNA position 435, A replaced by G.
Molecular consequence: intron variant.
Genome position (GRCh38, 1-based): chr11:108,135,246, A>G. VCF-style: chr11-108135246-A-G. GRCh37 (hg19) VCF-style: chr11-108005973-A-G.
Other names: c.165+4A>G (NM_001386682.1, NM_001386681.1, NM_001386685.1 and 6 more transcripts); c.435+4A>G (NM_001386677.1); c.138+4A>G (NM_001386679.1); c.120+3292A>G (NM_001386678.1).
Identifiers: ClinVar variation 1415965 (VCV001415965.3), dbSNP rs1424341036, ClinGen allele CA601691633.

ClinVar aggregate classification (germline): Uncertain significance (1 of 4 stars; one submission).

Conditions:
Deficiency of acetyl-CoA acetyltransferase. Also called: 3-KETOTHIOLASE DEFICIENCY; 3-OXOTHIOLASE DEFICIENCY; MITOCHONDRIAL ACETOACETYL-CoA THIOLASE DEFICIENCY; Beta-ketothiolase deficiency. Identifiers: Orphanet 134, MedGen C1536500, MONDO:0008760, OMIM 203750. Disease mechanism: loss of function.

Allele frequency attached by ClinVar (database versions not stated): gnomAD exomes below 0.00001.
gnomAD v4.1: 3 of 1,592,804 alleles (0.00019%); highest among the groups gnomAD compares: East Asian, 0.0067%; no homozygotes.

Submission:

Labcorp Genetics (formerly Invitae), Labcorp
Classification: Uncertain significance for Deficiency of acetyl-CoA acetyltransferase. Last evaluated: 2021-12-07. Review status: criteria provided, single submitter. Criteria: Invitae Variant Classification Sherloc (09022015). Collection method: clinical testing. Allele origin: germline.
Comment: This sequence change falls in intron 5 of the ACAT1 gene. It does not directly change the encoded amino acid sequence of the ACAT1 protein. It affects a nucleotide within the consensus splice site. This variant is present in population databases (no rsID available, gnomAD 0.006%). This variant has not been reported in the literature in individuals affected with ACAT1-related conditions. Variants that disrupt the consensus splice site are a relatively common cause of aberrant splicing (PMID: 17576681, 9536098). Algorithms developed to predict the effect of sequence changes on RNA splicing suggest that this variant is not likely to affect RNA splicing. In summary, the available evidence is currently insufficient to determine the role of this variant in disease. Therefore, it has been classified as a Variant of Uncertain Significance.

Literature cited by the submitters: PubMed 17576681; PubMed 9536098.